The following is an entry in ClinVar:

NM_000843.4(GRM6):c.2419G>T (p.Ala807Ser)

Genes: GRM6 (glutamate metabotropic receptor 6; minus strand), ZNF454 (zinc finger protein 454; plus strand). Cytogenetic location: 5q35.3.
Variant type: single nucleotide variant.
Coding change: c.2419G>T on transcript NM_000843.4 (MANE Select); coding-DNA position 2419, G replaced by T.
Protein change: p.Ala807Ser; replaces alanine 807 with serine.
Molecular consequence: missense variant.
Genome position (GRCh38, 1-based): chr5:178,982,927, C>A on the plus strand (G>T on the coding strand, the complement: GRM6 is on the minus strand). VCF-style: chr5-178982927-C-A. GRCh37 (hg19) VCF-style: chr5-178409928-C-A.
Other names: short protein forms A807S.
Identifiers: ClinVar variation 1492307 (VCV001492307.8), dbSNP rs942079775, ClinGen allele CA133017384.

ClinVar aggregate classification (germline): Uncertain significance (1 of 4 stars; one submission).

Allele frequency attached by ClinVar (database versions not stated): gnomAD exomes below 0.00001.
gnomAD v4.1: 2 of 1,613,556 alleles (0.00012%); highest among the groups gnomAD compares: Non-Finnish European, 0.00017%; no homozygotes.

Submission:

Labcorp Genetics (formerly Invitae), Labcorp
Classification: Uncertain significance. Last evaluated: 2022-02-24. Review status: criteria provided, single submitter. Criteria: Invitae Variant Classification Sherloc (09022015). Collection method: clinical testing. Allele origin: germline.
Comment: In summary, the available evidence is currently insufficient to determine the role of this variant in disease. Therefore, it has been classified as a Variant of Uncertain Significance. Advanced modeling of protein sequence and biophysical properties (such as structural, functional, and spatial information, amino acid conservation, physicochemical variation, residue mobility, and thermodynamic stability) performed at Invitae indicates that this missense variant is not expected to disrupt GRM6 protein function. This variant has not been reported in the literature in individuals affected with GRM6-related conditions. This variant is present in population databases (no rsID available, gnomAD 0.0009%). This sequence change replaces alanine, which is neutral and non-polar, with serine, which is neutral and polar, at codon 807 of the GRM6 protein (p.Ala807Ser).